The following is an entry in ClinVar:

ClinVar aggregate classification (germline): Uncertain significance (1 of 4 stars; one submission).

Conditions:
Inborn genetic diseases. Identifiers: MedGen C0950123, MeSH D030342.

gnomAD v4.1: 3 of 1,613,650 alleles (0.00019%); highest among the groups gnomAD compares: Non-Finnish European, 0.000085%; no homozygotes.

Submission:

Ambry Genetics
Classification: Uncertain significance for Inborn genetic diseases. Last evaluated: 2025-01-25. Review status: criteria provided, single submitter. Criteria: Ambry Variant Classification Scheme 2023. Collection method: clinical testing. Allele origin: germline.
Comment: The p.V426L variant (also known as c.1276G>C), located in coding exon 6 of the SH2B3 gene, results from a G to C substitution at nucleotide position 1276. The valine at codon 426 is replaced by leucine, an amino acid with highly similar properties. This amino acid position is conserved. In addition, the in silico prediction for this alteration is inconclusive. Based on the available evidence, the clinical significance of this variant remains unclear.

NM_005475.3(SH2B3):c.1276G>C (p.Val426Leu)

Gene: SH2B3 (SH2B adaptor protein 3; plus strand). Cytogenetic location: 12q24.12.
Variant type: single nucleotide variant.
Coding change: c.1276G>C on transcript NM_005475.3 (MANE Select); coding-DNA position 1276, G replaced by C.
Protein change: p.Val426Leu; replaces valine 426 with leucine.
Molecular consequence: missense variant.
Genome position (GRCh38, 1-based): chr12:111,447,695, G>C. VCF-style: chr12-111447695-G-C. GRCh37 (hg19) VCF-style: chr12-111885499-G-C.
Other names: c.670G>C, p.Val224Leu (NM_001291424.1); short protein forms V224L, V426L.
Identifiers: ClinVar variation 3795138 (VCV003795138.1).